The following is an entry in ClinVar:

NM_015295.3(SMCHD1):c.2136A>G (p.Gly712=)

Gene: SMCHD1 (structural maintenance of chromosomes flexible hinge domain containing 1; plus strand). Cytogenetic location: 18p11.32.
Variant type: single nucleotide variant.
Coding change: c.2136A>G on transcript NM_015295.3 (MANE Select); coding-DNA position 2136, A replaced by G.
Protein change: p.Gly712=; no amino-acid change (glycine 712 retained).
Molecular consequence: synonymous variant.
Genome position (GRCh38, 1-based): chr18:2,707,635, A>G. VCF-style: chr18-2707635-A-G. GRCh37 (hg19) VCF-style: chr18-2707633-A-G.
Identifiers: ClinVar variation 3644039 (VCV003644039.2).

ClinVar aggregate classification (germline): Uncertain significance (1 of 4 stars; one submission).

Conditions:
Facioscapulohumeral muscular dystrophy 2 (FSHD2). Also called: MUSCULAR DYSTROPHY, FACIOSCAPULOHUMERAL, TYPE 1B; FACIOSCAPULOHUMERAL MUSCULAR DYSTROPHY 2, DIGENIC; FSHD2, DIGENIC. Identifiers: Orphanet 269, MedGen C1834671, MONDO:0008031, OMIM 158901.

Submission:

Labcorp Genetics (formerly Invitae), Labcorp
Classification: Uncertain significance for Facioscapulohumeral muscular dystrophy 2. Last evaluated: 2024-03-01. Review status: criteria provided, single submitter. Criteria: Invitae Variant Classification Sherloc (09022015). Collection method: clinical testing. Allele origin: germline.
Comment: This sequence change affects codon 712 of the SMCHD1 mRNA. It is a 'silent' change, meaning that it does not change the encoded amino acid sequence of the SMCHD1 protein. This variant is not present in population databases (gnomAD no frequency). This variant has not been reported in the literature in individuals affected with SMCHD1-related conditions. Algorithms developed to predict the effect of sequence changes on RNA splicing suggest that this variant may disrupt the consensus splice site. In summary, the available evidence is currently insufficient to determine the role of this variant in disease. Therefore, it has been classified as a Variant of Uncertain Significance.